The following is an entry in ClinVar:

NM_021927.3(GUF1):c.386G>A (p.Cys129Tyr)

Gene: GUF1 (GTP binding elongation factor GUF1; plus strand). Cytogenetic location: 4p12.
Variant type: single nucleotide variant.
Coding change: c.386G>A on transcript NM_021927.3 (MANE Select); coding-DNA position 386, G replaced by A.
Protein change: p.Cys129Tyr; replaces cysteine 129 with tyrosine.
Molecular consequence: missense variant. On other transcripts: 5 prime UTR variant (2).
Genome position (GRCh38, 1-based): chr4:44,680,802, G>A. VCF-style: chr4-44680802-G-A. GRCh37 (hg19) VCF-style: chr4-44682819-G-A.
Other names: c.-583G>A (NM_001345867.2); c.386G>A, p.Cys129Tyr (NM_001345868.2); c.-587G>A (NM_001345869.2); short protein forms C129Y.
Identifiers: ClinVar variation 1910689 (VCV001910689.6), dbSNP rs377025146, ClinGen allele CA2905269.
Genomic context (GRCh38, chr4:44,680,802, plus strand): 5'-AAGTGGAACGAGAAAGAGGAATCACTGTTAAAGCACAGACAGCATCTCTCTTTTACAATT[G>A]TGAAGGAAAGCAGTACCTTTTAAATCTCATTGATACACCGGTAAGTTTAATATTAATTTT-3'
Protein context (NP_068746.2, residues 119-139): KAQTASLFYN[Cys129Tyr]EGKQYLLNLI

ClinVar aggregate classification (germline): Uncertain significance. Review status: criteria provided, multiple submitters, no conflicts (2 of 4 stars). 2 submissions from 2 submitters: Uncertain significance (2). Last evaluated 2022-10-25.

Allele frequency attached by ClinVar (database versions not stated): ESP Exome Variant Server 0.00008.

Submissions (2):

Ambry Genetics
Classification: Uncertain significance. Last evaluated: 2022-10-25. Review status: criteria provided, single submitter. Criteria: Ambry Variant Classification Scheme 2023. Collection method: clinical testing. Allele origin: germline.

Labcorp Genetics (formerly Invitae), Labcorp
Classification: Uncertain significance. Last evaluated: 2021-12-27. Review status: criteria provided, single submitter. Criteria: Invitae Variant Classification Sherloc (09022015). Collection method: clinical testing. Allele origin: germline.
Comment: In summary, the available evidence is currently insufficient to determine the role of this variant in disease. Therefore, it has been classified as a Variant of Uncertain Significance. Algorithms developed to predict the effect of missense changes on protein structure and function output the following: SIFT: "Tolerated"; PolyPhen-2: "Benign"; Align-GVGD: "Class C0". The tyrosine amino acid residue is found in multiple mammalian species, which suggests that this missense change does not adversely affect protein function. This variant has not been reported in the literature in individuals affected with GUF1-related conditions. This variant is present in population databases (rs377025146, gnomAD 0.002%). This sequence change replaces cysteine, which is neutral and slightly polar, with tyrosine, which is neutral and polar, at codon 129 of the GUF1 protein (p.Cys129Tyr).